The following is an entry in ClinVar:

ClinVar aggregate classification (germline): Likely pathogenic (1 of 4 stars; one submission).

Submission:

Labcorp Genetics (formerly Invitae), Labcorp
Classification: Likely pathogenic. Last evaluated: 2023-04-20. Review status: criteria provided, single submitter. Criteria: Invitae Variant Classification Sherloc (09022015). Collection method: clinical testing. Allele origin: unknown.
Comment: This variant results in a copy number gain of the genomic region encompassing exon(s) 19-26 of the EYS gene. While the exact position of this variant cannot be determined from the data, sub-genic copy number gains are generally in tandem (PMID: 25640679). This variant is predicted to be out-of-frame, and may result in an absent or disrupted protein product. Loss-of-function variants in EYS are known to be pathogenic (PMID: 18836446, 20333770). This variant has not been reported in the literature in individuals affected with EYS-related conditions. In summary, the currently available evidence indicates that the variant is pathogenic, but additional data are needed to prove that conclusively. Therefore, this variant has been classified as Likely Pathogenic.

Literature cited by the submitters: PubMed 25640679; PubMed 18836446; PubMed 20333770.

NC_000006.11:g.(?_65300096)_(65596755_?)dup

Gene: EYS (eyes shut homolog; minus strand). Cytogenetic location: 6q12.
Variant type: Duplication.
Identifiers: ClinVar variation 3246139 (VCV003246139.1).